The following is an entry in ClinVar:

ClinVar aggregate classification (germline): Pathogenic (1 of 4 stars; one submission).

Conditions:
Primary ciliary dyskinesia 3. Identifiers: Orphanet 244, MedGen C1837618, MONDO:0012085, OMIM 608644.

Submission:

Myriad Genetics, Inc.
Classification: Pathogenic for Primary ciliary dyskinesia 3. Last evaluated: 2024-08-06. Review status: criteria provided, single submitter. Criteria: Myriad Autosomal Dominant, Autosomal Recessive and X-Linked Classification Criteria (2023). Collection method: clinical testing. Allele origin: unknown.
Comment: NM_001369.2(DNAH5):c.5942delC(P1981Lfs*73) is expected to be pathogenic in the context of primary ciliary dyskinesia, DNAH5-related. This variant is predicted to lead to an abnormal or absent protein product due to the creation of a premature termination codon in DNAH5, a gene where loss-of-function variants are known to be pathogenic. Please note: this variant was assessed in the context of healthy population screening.

NM_001369.3(DNAH5):c.5942del (p.Pro1981fs)

Gene: DNAH5 (dynein axonemal heavy chain 5; minus strand). Cytogenetic location: 5p15.2.
Variant type: Deletion.
Coding change: c.5942del on transcript NM_001369.3 (MANE Select); coding-DNA position 5942, one base deleted (C; older notation c.5942delC).
Protein change: p.Pro1981fs; shifts the reading frame from proline 1981.
Molecular consequence: frameshift variant.
Genome position (GRCh38, 1-based): chr5:13,830,716, G deleted on the plus strand (C on the coding strand, the reverse complement: DNAH5 is on the minus strand); the first of 2 consecutive G bases (chr5:13,830,716-13,830,717); deleting either gives the same sequence. VCF-style (leftmost placement, unchanged base first): chr5-13830715-AG-A. GRCh37 (hg19) VCF-style: chr5-13830824-AG-A.
Other names: short protein forms P1981fs.
Identifiers: ClinVar variation 5013422 (VCV005013422.1).